The following is an entry in ClinVar:

NM_001267550.2(TTN):c.39464-4A>T

Gene: TTN (titin; minus strand). Cytogenetic location: 2q31.2.
Variant type: single nucleotide variant.
Coding change: c.39464-4A>T on transcript NM_001267550.2 (MANE Select); 4 bases into the intron before coding-DNA position 39464, A replaced by T.
Molecular consequence: intron variant.
Genome position (GRCh38, 1-based): chr2:178,651,540, T>A on the plus strand (A>T on the coding strand, the complement: TTN is on the minus strand). VCF-style: chr2-178651540-T-A. GRCh37 (hg19) VCF-style: chr2-179516267-T-A.
Other names: c.13283-9223A>T (NM_003319.4); c.13859-9223A>T (NM_133437.4); c.13658-9223A>T (NM_133432.3); c.32162-4A>T (NM_133378.4); c.34943-4A>T (NM_001256850.1).
Identifiers: ClinVar variation 1612882 (VCV001612882.9), dbSNP rs960737707, ClinGen allele CA60968253.
Genomic context (GRCh38, chr2:178,651,540, plus strand): 5'-TGGGAACCACCAGAGGCACCTTCTTTTCAGGAACAACCTCCTTGGGCACCTCGGGCACTA[T>A]AAAAGATATTAGTAGTTGTTTAAGCTCATGGTTTCAATGAAATGTGAAAATCATGAAGCA-3'

ClinVar aggregate classification (germline): Likely benign. Review status: criteria provided, multiple submitters, no conflicts (2 of 4 stars). 2 submissions from 2 submitters: Likely benign (2). Last evaluated 2026-09-21.

Conditions:
Autosomal recessive limb-girdle muscular dystrophy type 2J (LGMDR10). Also called: MUSCULAR DYSTROPHY, LIMB-GIRDLE, AUTOSOMAL RECESSIVE 10; Limb-girdle muscular dystrophy, type 2J. Identifiers: Orphanet 140922, MedGen C1837342, MONDO:0012127, OMIM 608807.
Dilated cardiomyopathy 1G (CMD1G). Identifiers: Orphanet 154, MedGen C1858763, MONDO:0011400, OMIM 604145.

Allele frequency attached by ClinVar (database versions not stated): gnomAD 0.00001.
gnomAD v4.1: 3 of 1,612,620 alleles (0.00019%); highest among the groups gnomAD compares: East Asian, 0.0022%; no homozygotes.

Submissions (2):

Molecular Diagnostic Laboratory for Inherited Cardiovascular Disease, Montreal Heart Institute
Classification: Likely benign. Last evaluated: 2026-09-21. Review status: criteria provided, single submitter. Criteria: ACMG Guidelines, 2015. Collection method: clinical testing. Allele origin: germline. Affected: no.
Comment: BP4

Labcorp Genetics (formerly Invitae), Labcorp
Classification: Likely benign for Dilated cardiomyopathy 1G; Autosomal recessive limb-girdle muscular dystrophy type 2J. Last evaluated: 2025-07-21. Review status: criteria provided, single submitter. Criteria: Invitae Variant Classification Sherloc (09022015). Collection method: clinical testing. Allele origin: germline.